The following is an entry in ClinVar:

NM_000218.3(KCNQ1):c.375C>A (p.Tyr125Ter)

Gene: KCNQ1 (potassium voltage-gated channel subfamily Q member 1; plus strand). Cytogenetic location: 11p15.5.
Variant type: single nucleotide variant.
Coding change: c.375C>A on transcript NM_000218.3 (MANE Select); coding-DNA position 375, C replaced by A.
Protein change: p.Tyr125Ter; replaces tyrosine 125 with a stop codon.
Molecular consequence: nonsense.
Genome position (GRCh38, 1-based): chr11:2,445,473, C>A. VCF-style: chr11-2445473-C-A. GRCh37 (hg19) VCF-style: chr11-2466703-C-A.
Other names: short protein forms Y125*.
Identifiers: ClinVar variation 489011 (VCV000489011.2), dbSNP rs1222477763, ClinGen allele CA379117808.

ClinVar aggregate classification (germline): Pathogenic (1 of 4 stars; one submission).

Submission:

GeneDx
Classification: Pathogenic. Last evaluated: 2018-04-05. Review status: criteria provided, single submitter. Criteria: GeneDx Variant Classification (06012015). Collection method: clinical testing. Allele origin: germline. Affected: yes.
Comment: The Y125X variant in the KCNQ1 gene has not been reported as a pathogenic or benign to our knowledge. This variant is predicted to cause loss of normal protein function either by protein truncation or nonsense-mediated mRNA decay. Other nonsense variants in the KCNQ1 gene have been reported in Human Gene Mutation Database in association with LQTS and JLNS (Stenson et al., 2014). The Y125X variant is not observed in large population cohorts (Lek et al., 2016; 1000 Genomes Consortium et al., 2015; Exome Variant Server).